The following is an entry in ClinVar:

ClinVar aggregate classification (germline): Pathogenic (1 of 4 stars; one submission).

Conditions:
Transcobalamin II deficiency (TCN2D). Also called: Transcolabamin II deficiency; TC II DEFICIENCY; TCN2 DEFICIENCY. Identifiers: Orphanet 859, MedGen C0342701, MONDO:0010149, OMIM 275350.

Submission:

Labcorp Genetics (formerly Invitae), Labcorp
Classification: Pathogenic for Transcobalamin II deficiency. Last evaluated: 2023-11-27. Review status: criteria provided, single submitter. Criteria: Invitae Variant Classification Sherloc (09022015). Collection method: clinical testing. Allele origin: germline.
Comment: A gross deletion of the genomic region encompassing the full coding sequence of the TCN2 gene has been identified. Loss-of-function variants in TCN2 are known to be pathogenic (PMID: 7980584, 20352340). The boundaries of this event are unknown as they extend beyond the assayed region for this gene and therefore may encompass additional genes. This variant has not been reported in the literature in individuals affected with TCN2-related conditions. For these reasons, this variant has been classified as Pathogenic.

Literature cited by the submitters: PubMed 7980584; PubMed 20352340.

NC_000022.10:g.(?_31003319)_(31022508_?)del

Gene: TCN2 (transcobalamin 2; plus strand). Cytogenetic location: 22q12.2.
Variant type: Deletion.
Identifiers: ClinVar variation 1458198 (VCV001458198.4).